The following is an entry in ClinVar:

ClinVar aggregate classification (germline): Uncertain significance (1 of 4 stars; one submission).

Allele frequency attached by ClinVar (database versions not stated): gnomAD exomes below 0.00001; TOPMed below 0.00001.
gnomAD v4.1: 5 of 1,601,090 alleles (0.00031%); highest among the groups gnomAD compares: South Asian, 0.0011%; no homozygotes.

Submission:

Labcorp Genetics (formerly Invitae), Labcorp
Classification: Uncertain significance. Last evaluated: 2022-03-29. Review status: criteria provided, single submitter. Criteria: Invitae Variant Classification Sherloc (09022015). Collection method: clinical testing. Allele origin: germline.
Comment: In summary, the available evidence is currently insufficient to determine the role of this variant in disease. Therefore, it has been classified as a Variant of Uncertain Significance. Algorithms developed to predict the effect of missense changes on protein structure and function output the following: SIFT: "Tolerated"; PolyPhen-2: "Benign"; Align-GVGD: "Class C0". The valine amino acid residue is found in multiple mammalian species, which suggests that this missense change does not adversely affect protein function. This variant has not been reported in the literature in individuals affected with ADGRA3-related conditions. This variant is present in population databases (no rsID available, gnomAD 0.004%). This sequence change replaces isoleucine, which is neutral and non-polar, with valine, which is neutral and non-polar, at codon 606 of the ADGRA3 protein (p.Ile606Val).

NM_145290.4(ADGRA3):c.1816A>G (p.Ile606Val)

Gene: ADGRA3 (adhesion G protein-coupled receptor A3; minus strand). Cytogenetic location: 4p15.2.
Variant type: single nucleotide variant.
Coding change: c.1816A>G on transcript NM_145290.4 (MANE Select); coding-DNA position 1816, A replaced by G.
Protein change: p.Ile606Val; replaces isoleucine 606 with valine.
Molecular consequence: missense variant.
Genome position (GRCh38, 1-based): chr4:22,413,808, T>C on the plus strand (A>G on the coding strand, the complement: ADGRA3 is on the minus strand). VCF-style: chr4-22413808-T-C. GRCh37 (hg19) VCF-style: chr4-22415431-T-C.
Other names: short protein forms I606V.
Identifiers: ClinVar variation 1912026 (VCV001912026.5), dbSNP rs1225630558, ClinGen allele CA356480376.